The following is an entry in ClinVar:

ClinVar aggregate classification (germline): Uncertain significance (1 of 4 stars; one submission).

Conditions:
Walker-Warburg congenital muscular dystrophy. Also called: Muscular dystrophy-dystroglycanopathy, type A; Walker-Warburg syndrome. Identifiers: Orphanet 899, MedGen C0265221, MONDO:0000171.

Submission:

Labcorp Genetics (formerly Invitae), Labcorp
Classification: Uncertain significance for Walker-Warburg congenital muscular dystrophy. Last evaluated: 2024-02-23. Review status: criteria provided, single submitter. Criteria: Invitae Variant Classification Sherloc (09022015). Collection method: clinical testing. Allele origin: germline.
Comment: This sequence change replaces asparagine, which is neutral and polar, with lysine, which is basic and polar, at codon 7 of the FKTN protein (p.Asn7Lys). This variant is not present in population databases (gnomAD no frequency). This variant has not been reported in the literature in individuals affected with FKTN-related conditions. ClinVar contains an entry for this variant (Variation ID: 1390918). Advanced modeling of protein sequence and biophysical properties (such as structural, functional, and spatial information, amino acid conservation, physicochemical variation, residue mobility, and thermodynamic stability) performed at Invitae indicates that this missense variant is not expected to disrupt FKTN protein function with a negative predictive value of 80%. In summary, the available evidence is currently insufficient to determine the role of this variant in disease. Therefore, it has been classified as a Variant of Uncertain Significance.

NM_001079802.2(FKTN):c.21C>G (p.Asn7Lys)

Gene: FKTN (fukutin; plus strand). Cytogenetic location: 9q31.2.
Variant type: single nucleotide variant.
Coding change: c.21C>G on transcript NM_001079802.2 (MANE Select); coding-DNA position 21, C replaced by G.
Protein change: p.Asn7Lys; replaces asparagine 7 with lysine.
Molecular consequence: missense variant. On other transcripts: non-coding transcript variant (2), 5 prime UTR variant (5).
Genome position (GRCh38, 1-based): chr9:105,575,053, C>G. VCF-style: chr9-105575053-C-G. GRCh37 (hg19) VCF-style: chr9-108337334-C-G.
Other names: c.21C>G, p.Asn7Lys (NM_006731.2, NM_001198963.2, NM_001351496.2 and 1 more transcripts); c.-147C>G (NM_001351497.2); c.-494C>G (NM_001351499.2, NM_001351500.2, NM_001351501.2 and 1 more transcripts); short protein forms N7K.
Identifiers: ClinVar variation 1390918 (VCV001390918.6), dbSNP rs564632018, ClinGen allele CA374330825.